The following is an entry in ClinVar:

NC_000015.10:g.(?_23692244)_(28566581_?)dup

Genes: ATP10A-DT (ATP10A divergent transcript; plus strand), ATP10A (ATPase phospholipid transporting 10A (putative); minus strand), GABRA5 (gamma-aminobutyric acid type A receptor subunit alpha5; plus strand), GABRB3 (gamma-aminobutyric acid type A receptor subunit beta3; minus strand), GABRG3 (gamma-aminobutyric acid type A receptor subunit gamma3; plus strand) and 140 more. Cytogenetic location: 15q11.2-13.1.
Variant type: Duplication.
Identifiers: ClinVar variation 4974526 (VCV004974526.1).

ClinVar aggregate classification (germline): Pathogenic (1 of 4 stars; one submission).

Conditions:
Developmental and epileptic encephalopathy, 1 (DEE1). Also called: X-linked infantile spasms; West's syndrome; Tonic spasms with clustering, arrest of psychomotor development and hypsarrhythmia on EEG; X-Linked Infantile Spasm Syndrome; OHTAHARA SYNDROME, X-LINKED; INFANTILE SPASM SYNDROME, X-LINKED 1. Identifiers: MedGen C3463992, MONDO:0010632, OMIM 308350. Disease mechanism: loss of function.

Submission:

Solve-RD Consortium
Classification: Pathogenic for Developmental and epileptic encephalopathy, 1. Review status: criteria provided, single submitter. Criteria: ACMG/ClinGen CNV Guidelines, 2019. Collection method: provider interpretation. Allele origin: germline. Inheritance: Autosomal dominant inheritance. Affected: yes. Study: Solve-RD DIFT-EpiCARE reanalysis.
Comment: 2A, 4L

Variant identified during reanalysis of unsolved cases by the Solve-RD project. The Solve-RD project has received funding from the European Union’s Horizon 2020 research and innovation programme under grant agreement No 779257.